The following is an entry in ClinVar:

NM_182914.3(SYNE2):c.4994C>T (p.Ala1665Val)

Gene: SYNE2 (spectrin repeat containing nuclear envelope protein 2; plus strand). Cytogenetic location: 14q23.2.
Variant type: single nucleotide variant.
Coding change: c.4994C>T on transcript NM_182914.3 (MANE Select); coding-DNA position 4994, C replaced by T.
Protein change: p.Ala1665Val; replaces alanine 1665 with valine.
Molecular consequence: missense variant.
Genome position (GRCh38, 1-based): chr14:64,017,701, C>T. VCF-style: chr14-64017701-C-T. GRCh37 (hg19) VCF-style: chr14-64484419-C-T.
Other names: c.4994C>T, p.Ala1665Val (NM_015180.6); short protein forms A1665V.
Identifiers: ClinVar variation 281151 (VCV000281151.22), dbSNP rs200143024, ClinGen allele CA7220363.

ClinVar aggregate classification (germline): Conflicting classifications of pathogenicity. Review status: criteria provided, conflicting classifications (1 of 4 stars). 4 submissions from 4 submitters: Uncertain significance (1); Likely benign (3). Last evaluated 2026-02-01.

Conditions:
SYNE2-related disorder. Also called: SYNE2-related condition.
Emery-Dreifuss muscular dystrophy 5, autosomal dominant (EDMD5). Also called: EMERY-DREIFUSS MUSCULAR DYSTROPHY 5. Identifiers: Orphanet 261, MedGen C2751805, MONDO:0013072, OMIM 612999.

Allele frequency attached by ClinVar (database versions not stated): ExAC 0.00037; gnomAD 0.00039 and 0.00043; gnomAD exomes 0.00039; TOPMed 0.00046; ESP Exome Variant Server 0.00094.
gnomAD v4.1: 639 of 1,613,430 alleles (0.04%); highest among the groups gnomAD compares: Non-Finnish European, 0.048%; no homozygotes.

Submissions (4):

CeGaT Center for Human Genetics Tuebingen
Classification: Likely benign. Last evaluated: 2026-02-01. Review status: criteria provided, single submitter. Criteria: CeGaT Center For Human Genetics Tuebingen Variant Classification Criteria Version 2. Collection method: clinical testing. Allele origin: germline. Affected: yes. Observed: 1 variant allele.
Comment: SYNE2: BP4, BS2

Labcorp Genetics (formerly Invitae), Labcorp
Classification: Likely benign for Emery-Dreifuss muscular dystrophy 5, autosomal dominant. Last evaluated: 2025-10-02. Review status: criteria provided, single submitter. Criteria: Invitae Variant Classification Sherloc (09022015). Collection method: clinical testing. Allele origin: germline.

PreventionGenetics, part of Exact Sciences
Classification: Likely benign for SYNE2-related condition. Last evaluated: 2025-05-05. Review status: criteria provided, single submitter. Criteria: ACMG Guidelines, 2015. Collection method: clinical testing. Allele origin: germline.
Comment: This variant is classified as likely benign based on ACMG/AMP sequence variant interpretation guidelines (Richards et al. 2015 PMID: 25741868, with internal and published modifications).

Eurofins Ntd Llc (ga)
Classification: Uncertain significance. Last evaluated: 2015-09-15. Review status: criteria provided, single submitter. Criteria: EGL Classification Definitions 2015. Collection method: clinical testing. Allele origin: germline. Observed: 3 variant alleles, 3 heterozygotes.